The following is an entry in ClinVar:

ClinVar aggregate classification (germline): Uncertain significance. Review status: criteria provided, multiple submitters, no conflicts (2 of 4 stars). 4 submissions from 4 submitters: Uncertain significance (4). Last evaluated 2025-05-15.

Conditions:
Hereditary cancer-predisposing syndrome. Also called: Tumor predisposition; Hereditary Cancer Syndrome; Hereditary neoplastic syndrome; Neoplastic Syndromes, Hereditary. Identifiers: Orphanet 140162, MedGen C0027672, MeSH D009386, MONDO:0015356.
Familial adenomatous polyposis 2. Also called: FAP type 2; MUTYH Polyposis; COLORECTAL ADENOMATOUS POLYPOSIS, AUTOSOMAL RECESSIVE; ADENOMAS, MULTIPLE COLORECTAL, AUTOSOMAL RECESSIVE; MUTYH-associated polyposis; MUTYH-related attenuated familial adenomatous polyposis. Identifiers: Orphanet 220460, Orphanet 247798, MedGen C3272841, MONDO:0012041, OMIM 608456.

gnomAD v4.1: 1 of 1,614,202 alleles (0.000062%); highest among the groups gnomAD compares: Non-Finnish European, 0.000085%; no homozygotes.

Submissions (5):

Molecular Pathology, Peter Maccallum Cancer Centre
Classification: Uncertain significance for Familial adenomatous polyposis 2. Last evaluated: 2025-05-15. Review status: criteria provided, single submitter. Criteria: ACMG Guidelines, 2015. Collection method: clinical testing. Allele origin: germline. Inheritance: Autosomal recessive inheritance.

Ambry Genetics
Classification: Uncertain significance for Hereditary cancer-predisposing syndrome. Last evaluated: 2024-09-10. Review status: criteria provided, single submitter. Criteria: Ambry Variant Classification Scheme 2023. Collection method: clinical testing. Allele origin: germline.
Comment: The c.997+5G>A intronic variant results from a G to A substitution 5 nucleotides after coding exon 11 in the MUTYH gene. This nucleotide position is well conserved in available vertebrate species. In silico splice site analysis predicts that this alteration will weaken the native splice donor site; however, direct evidence is insufficient at this time (Ambry internal data). Based on the available evidence, the clinical significance of this variant remains unclear.

Labcorp Genetics (formerly Invitae), Labcorp
Classification: Uncertain significance for Familial adenomatous polyposis 2. Last evaluated: 2022-08-31. Review status: criteria provided, single submitter. Criteria: Invitae Variant Classification Sherloc (09022015). Collection method: clinical testing. Allele origin: germline.
Comment: In summary, the available evidence is currently insufficient to determine the role of this variant in disease. Therefore, it has been classified as a Variant of Uncertain Significance. Variants that disrupt the consensus splice site are a relatively common cause of aberrant splicing (PMID: 17576681, 9536098). Algorithms developed to predict the effect of sequence changes on RNA splicing suggest that this variant may disrupt the consensus splice site. ClinVar contains an entry for this variant (Variation ID: 823586). This variant has been observed in individual(s) with MUTYH-associated polyposis (PMID: 27829682). In at least one individual the data is consistent with being in trans (on the opposite chromosome) from a pathogenic variant. This variant is not present in population databases (gnomAD no frequency). This sequence change falls in intron 11 of the MUTYH gene. It does not directly change the encoded amino acid sequence of the MUTYH protein. It affects a nucleotide within the consensus splice site.

Color Diagnostics, LLC DBA Color Health
Classification: Uncertain significance for Hereditary cancer-predisposing syndrome. Last evaluated: 2022-08-09. Review status: criteria provided, single submitter. Criteria: ACMG Guidelines, 2015. Collection method: clinical testing. Allele origin: germline.
Comment: This variant causes a G to A nucleotide substitution at the +5 position of intron 11 of the MUTYH gene. To our knowledge, functional studies have not been reported for this variant. This variant has been reported with a co-occurring pathogenic MUTYH variant in an individual affected with colon polyps (PMID: 27829682). This variant has not been identified in the general population by the Genome Aggregation Database (gnomAD). The available evidence is insufficient to determine the role of this variant in disease conclusively. Therefore, this variant is classified as a Variant of Uncertain Significance.

Dr. Peter K. Rogan Lab, Western University
No classification provided (evidence only). Condition: Ovarian serous cystadenocarcinoma. Review status: no classification provided. Collection method: in vitro. Allele origin: not applicable. Functional consequence: retained intron. Not counted in ClinVar's aggregate classification.

Literature cited by the submitters: PubMed 27829682 (cited by 3 submitters); PubMed 31277343 (cited by Ambry Genetics); PubMed 17576681 (cited by Labcorp Genetics (formerly Invitae), Labcorp); PubMed 9536098 (cited by Labcorp Genetics (formerly Invitae), Labcorp).

NM_001048174.2(MUTYH):c.913+5G>A

Gene: MUTYH (mutY DNA glycosylase; minus strand). Cytogenetic location: 1p34.1.
Variant type: single nucleotide variant.
Coding change: c.913+5G>A on transcript NM_001048174.2 (MANE Select); 5 bases into the intron after coding-DNA position 913, G replaced by A.
Molecular consequence: intron variant.
Genome position (GRCh38, 1-based): chr1:45,332,018, C>T on the plus strand (G>A on the coding strand, the complement: MUTYH is on the minus strand). VCF-style: chr1-45332018-C-T. GRCh37 (hg19) VCF-style: chr1-45797690-C-T.
Other names: c.568+5G>A (NM_001350651.2, NM_001350650.2); c.637+5G>A (NM_001293192.2, NM_001293196.2); c.913+5G>A (NM_001048171.2, NM_001048173.2, NM_001293195.2); c.958+5G>A (NM_001293190.2); c.988+5G>A (NM_012222.3); c.997+5G>A (NM_001128425.2); c.916+5G>A (NM_001048172.2); c.946+5G>A (NM_001293191.2).
Identifiers: ClinVar variation 823586 (VCV000823586.14), dbSNP rs1553127245, ClinGen allele CA915941265.